The following is an entry in ClinVar:

NM_015443.4(KANSL1):c.1116A>G (p.Lys372=)

Gene: KANSL1 (KAT8 regulatory NSL complex subunit 1). Cytogenetic location: 17q21.31.
Variant type: single nucleotide variant.
Coding change: c.1116A>G on transcript NM_015443.4 (MANE Select); coding-DNA position 1116, A replaced by G.
Protein change: p.Lys372=; no amino-acid change (lysine 372 retained).
Molecular consequence: synonymous variant.
Genome position (GRCh38, 1-based): chr17:46,171,028, T>C on the plus strand (A>G on the coding strand, the complement: KANSL1 is on the minus strand). VCF-style: chr17-46171028-T-C. GRCh37 (hg19) VCF-style: chr17-44248394-T-C.
Other names: p.K372K:AAA>AAG; c.1116A>G, p.Lys372= (NM_001193465.2, NM_001193466.2, NM_001379198.1).
Identifiers: ClinVar variation 205781 (VCV000205781.13), dbSNP rs62639965, ClinGen allele CA315188.
Genomic context (GRCh38, chr17:46,171,028, plus strand): 5'-CCTCAAGTTGGCTATGCCACTAGCTGTAAATCTCTCCAATTCTTCTGAAATTGAATTGCT[T>C]TTCAGAAAGTTGCTAAGTCCCTCTGAAGTGGTGGTCTCACTGGCAGCTTTTCTCAAGGCA-3'
Protein context (NP_056258.1, residues 362-382): TTSEGLSNFL[Lys372=]SNSISEELER

ClinVar aggregate classification (germline): Benign/Likely benign. Review status: criteria provided, multiple submitters, no conflicts (2 of 4 stars). 3 submissions from 3 submitters: Benign (2); Likely benign (1). Last evaluated 2025-11-09.

Conditions:
Koolen-de Vries syndrome (KDVS). Identifiers: Orphanet 96169, MedGen C1864871, MONDO:0012496, OMIM 610443.

Allele frequency attached by ClinVar (database versions not stated): gnomAD exomes 0.00011 and 0.00025; 1000 Genomes Project 30x 0.00016; 1000 Genomes Project 0.00020; ExAC 0.00031; gnomAD 0.00100 and 0.00107; ESP Exome Variant Server 0.00131; TOPMed 0.00138.
gnomAD v4.1: 331 of 1,614,208 alleles (0.021%); highest among the groups gnomAD compares: African/African-American, 0.4%; 3 homozygotes.

Submissions (3):

Labcorp Genetics (formerly Invitae), Labcorp
Classification: Benign for Koolen-de Vries syndrome. Last evaluated: 2025-11-09. Review status: criteria provided, single submitter. Criteria: Invitae Variant Classification Sherloc (09022015). Collection method: clinical testing. Allele origin: germline.

Fulgent Genetics
Classification: Likely benign for Koolen-de Vries syndrome. Last evaluated: 2021-10-06. Review status: criteria provided, single submitter. Criteria: ACMG Guidelines, 2015. Collection method: clinical testing. Allele origin: unknown.

GeneDx
Classification: Benign. Last evaluated: 2014-10-16. Review status: criteria provided, single submitter. Criteria: GeneDx Variant Classification (06012015). Collection method: clinical testing. Allele origin: germline. Affected: yes.
Comment: This variant is considered likely benign or benign based on one or more of the following criteria: it is a conservative change, it occurs at a poorly conserved position in the protein, it is predicted to be benign by multiple in silico algorithms, and/or has population frequency not consistent with disease.